The following is an entry in ClinVar:

ClinVar aggregate classification (germline): Uncertain significance (1 of 4 stars; one submission).

Allele frequency attached by ClinVar (database versions not stated): gnomAD exomes below 0.00001; TOPMed below 0.00001; gnomAD 0.00001.
gnomAD v4.1: 2 of 1,611,798 alleles (0.00012%); highest among the groups gnomAD compares: South Asian, 0.0011%; no homozygotes.

Submission:

GeneDx
Classification: Uncertain significance. Last evaluated: 2021-03-15. Review status: criteria provided, single submitter. Criteria: GeneDx Variant Classification Process June 2021. Collection method: clinical testing. Allele origin: germline. Affected: yes.
Comment: Has not been previously published as pathogenic or benign to our knowledge; Not observed in large population cohorts (Lek et al., 2016); In-silico analysis, which includes splice predictors and evolutionary conservation, is inconclusive as to whether the variant alters gene splicing. In the absence of RNA/functional studies, the actual effect of this sequence change is unknown.

NM_001035.3(RYR2):c.1613-7T>A

Gene: RYR2 (ryanodine receptor 2; plus strand). Cytogenetic location: 1q43.
Variant type: single nucleotide variant.
Coding change: c.1613-7T>A on transcript NM_001035.3 (MANE Select); 7 bases into the intron before coding-DNA position 1613, T replaced by A.
Molecular consequence: intron variant.
Genome position (GRCh38, 1-based): chr1:237,469,085, T>A. VCF-style: chr1-237469085-T-A. GRCh37 (hg19) VCF-style: chr1-237632385-T-A.
Identifiers: ClinVar variation 1316629 (VCV001316629.2), dbSNP rs1010908077, ClinGen allele CA529535122.